The following is an entry in ClinVar:

NM_001370259.2(MEN1):c.59T>C (p.Val20Ala)

Gene: MEN1 (menin 1; minus strand). Cytogenetic location: 11q13.1.
Variant type: single nucleotide variant.
Coding change: c.59T>C on transcript NM_001370259.2 (MANE Select); coding-DNA position 59, T replaced by C.
Protein change: p.Val20Ala; replaces valine 20 with alanine.
Molecular consequence: missense variant. On other transcripts: non-coding transcript variant (4).
Genome position (GRCh38, 1-based): chr11:64,810,051, A>G on the plus strand (T>C on the coding strand, the complement: MEN1 is on the minus strand). VCF-style: chr11-64810051-A-G. GRCh37 (hg19) VCF-style: chr11-64577523-A-G.
Other names: c.59T>C, p.Val20Ala (NM_000244.4, NM_001370251.2, NM_001370260.2 and 20 more transcripts); short protein forms V20A.
Identifiers: ClinVar variation 5024287 (VCV005024287.1).
Genomic context (GRCh38, chr11:64,810,051, plus strand): 5'-ACCAAGGAAAGGAGCACCAGGTCCGGCTCCTCTCGGCCCAGCTCGGCAGCAAACAGGCGC[A>G]CCACGTCGTCGATGGAGCGCAGCGGGAACAGCGTCTTCTGGGCGGCCTTCAGCCCCATGG-3'
Protein context (NP_001357188.2, residues 10-30): LFPLRSIDDV[Val20Ala]RLFAAELGRE

ClinVar aggregate classification (germline): Uncertain significance (1 of 4 stars; one submission).

Conditions:
Hereditary cancer-predisposing syndrome. Also called: Neoplastic Syndromes, Hereditary; Tumor predisposition; Hereditary neoplastic syndrome; Hereditary Cancer Syndrome. Identifiers: Orphanet 140162, MedGen C0027672, MeSH D009386, MONDO:0015356.

Submission:

Ambry Genetics
Classification: Uncertain significance for Hereditary cancer-predisposing syndrome. Last evaluated: 2026-07-07. Review status: criteria provided, single submitter. Criteria: Ambry Variant Classification Scheme 2023. Collection method: clinical testing. Allele origin: germline.
Comment: The p.V20A variant (also known as c.59T>C), located in coding exon 1 of the MEN1 gene, results from a T to C substitution at nucleotide position 59. The valine at codon 20 is replaced by alanine, an amino acid with similar properties. This amino acid position is conserved. In addition, this alteration is predicted to be deleterious by in silico analysis. Based on the available evidence, the clinical significance of this variant remains unclear.